The following is an entry in ClinVar:

ClinVar aggregate classification (germline): Conflicting classifications of pathogenicity. Review status: criteria provided, conflicting classifications (1 of 4 stars). 5 submissions from 5 submitters: Uncertain significance (4); Likely benign (1). Last evaluated 2026-01-31.

Conditions:
Cardiovascular phenotype. Identifiers: MedGen CN230736.
Lethal congenital glycogen storage disease of heart. Also called: GLYCOGEN STORAGE DISEASE OF HEART; PHOSPHORYLASE KINASE DEFICIENCY OF HEART. Identifiers: Orphanet 439854, MedGen C1849813, MONDO:0009867, OMIM 261740.
Cardiomyopathy (CMYO). Also called: Cardiomyopathies. Identifiers: Orphanet 167848, MedGen C0878544, MONDO:0004994, HP:0001638. Inheritance: Various modes of inheritance.
Hypertrophic cardiomyopathy. Also called: HYPERTROPHIC MYOCARDIOPATHY. Identifiers: Orphanet 217569, MedGen C0007194, MeSH D002312, MONDO:0005045, HP:0001639.

Allele frequency attached by ClinVar (database versions not stated): TOPMed below 0.00001; ExAC 0.00001; gnomAD 0.00002; gnomAD exomes 0.00002.
gnomAD v4.1: 26 of 1,613,254 alleles (0.0016%); highest among the groups gnomAD compares: Non-Finnish European, 0.0022%; no homozygotes.

Submissions (5):

Women's Health and Genetics/Laboratory Corporation of America, LabCorp
Classification: Uncertain significance. Last evaluated: 2026-01-31. Review status: criteria provided, single submitter. Criteria: LabCorp Variant Classification Summary - May 2015. Collection method: clinical testing. Allele origin: germline.

Labcorp Genetics (formerly Invitae), Labcorp
Classification: Likely benign for Lethal congenital glycogen storage disease of heart. Last evaluated: 2025-09-14. Review status: criteria provided, single submitter. Criteria: Invitae Variant Classification Sherloc (09022015). Collection method: clinical testing. Allele origin: germline.

Ambry Genetics
Classification: Uncertain significance for Cardiovascular phenotype. Last evaluated: 2025-02-10. Review status: criteria provided, single submitter. Criteria: Ambry Variant Classification Scheme 2023. Collection method: clinical testing. Allele origin: germline.
Comment: The p.P85H variant (also known as c.254C>A), located in coding exon 3 of the PRKAG2 gene, results from a C to A substitution at nucleotide position 254. The proline at codon 85 is replaced by histidine, an amino acid with similar properties. This amino acid position is conserved. In addition, the in silico prediction for this alteration is inconclusive. Based on the available evidence, the clinical significance of this variant remains unclear.

All of Us Research Program, National Institutes of Health
Classification: Uncertain significance for Hypertrophic cardiomyopathy. Last evaluated: 2024-05-14. Review status: criteria provided, single submitter. Criteria: ACMG Guidelines, 2015. Collection method: clinical testing. Allele origin: germline. Inheritance: Autosomal dominant inheritance. Observed: 5 variant alleles, 5 heterozygotes.
Comment: This missense variant replaces proline with histidine at codon 85 of the PRKAG2 protein. Computational prediction suggests that this variant may not impact protein structure and function (internally defined REVEL score threshold <= 0.5, PMID: 27666373). To our knowledge, functional studies have not been reported for this variant. This variant has not been reported in individuals affected with PRKAG2-related disorders in the literature. This variant has been identified in 4/276716 chromosomes in the general population by the Genome Aggregation Database (gnomAD). The available evidence is insufficient to determine the role of this variant in disease conclusively. Therefore, this variant is classified as a Variant of Uncertain Significance.

This study involves interpretation of variants in research participants for the purpose of population health screening. Participant phenotype was not available at the time of variant classification. Additional details can be found in publication PMID: 35346344, PMCID: PMC8962531

Color Diagnostics, LLC DBA Color Health
Classification: Uncertain significance for Cardiomyopathy. Last evaluated: 2024-04-23. Review status: criteria provided, single submitter. Criteria: ACMG Guidelines, 2015. Collection method: clinical testing. Allele origin: germline.
Comment: This missense variant replaces proline with histidine at codon 85 of the PRKAG2 protein. Computational prediction suggests that this variant may not impact protein structure and function. To our knowledge, functional studies have not been reported for this variant. This variant has not been reported in individuals affected with PRKAG2-related disorders in the literature. This variant has been identified in 4/276716 chromosomes in the general population by the Genome Aggregation Database (gnomAD). The available evidence is insufficient to determine the role of this variant in disease conclusively. Therefore, this variant is classified as a Variant of Uncertain Significance.

NM_016203.4(PRKAG2):c.254C>A (p.Pro85His)

Gene: PRKAG2 (protein kinase AMP-activated non-catalytic subunit gamma 2; minus strand). Cytogenetic location: 7q36.1.
Variant type: single nucleotide variant.
Coding change: c.254C>A on transcript NM_016203.4 (MANE Select); coding-DNA position 254, C replaced by A.
Protein change: p.Pro85His; replaces proline 85 with histidine.
Molecular consequence: missense variant.
Genome position (GRCh38, 1-based): chr7:151,781,364, G>T on the plus strand (C>A on the coding strand, the complement: PRKAG2 is on the minus strand). VCF-style: chr7-151781364-G-T. GRCh37 (hg19) VCF-style: chr7-151478450-G-T.
Other names: c.254C>A (NM_016203.3); c.122C>A, p.Pro41His (NM_001040633.2, NM_001407024.1, NM_001407026.1 and 2 more transcripts); c.254C>A, p.Pro85His (NM_001407021.1, NM_001407022.1, NM_001407023.1 and 2 more transcripts); short protein forms P85H, P41H.
Identifiers: ClinVar variation 2051700 (VCV002051700.10), dbSNP rs753496711, ClinGen allele CA056611.
Genomic context (GRCh38, chr7:151,781,364, plus strand): 5'-ACGGTTTTGGGAGAGCCGGGGCTGGTCTTGGGCCTCACAGGTGCAGACATGGGGCTGGAG[G>T]GCCGGGGCTGGGGGCCTCTGGAGAAGAACCCTTTGGAGGGGCTGCCCGGGCCGAAGGGGC-3'
Protein context (NP_057287.2, residues 75-95): GFFSRGPQPR[Pro85His]SSPMSAPVRP